The following is an entry in ClinVar:

NM_001005271.3(CHD3):c.159G>T (p.Gly53=)

Genes: CHD3 (chromodomain helicase DNA binding protein 3; plus strand), NAA38 (N-alpha-acetyltransferase 38, NatC auxiliary subunit; minus strand). Cytogenetic location: 17p13.1.
Variant type: single nucleotide variant.
Coding change: c.159G>T on transcript NM_001005271.3; coding-DNA position 159, G replaced by T.
Protein change: p.Gly53=; no amino-acid change (glycine 53 retained).
Molecular consequence: synonymous variant. On other transcripts: intron variant (1).
Genome position (GRCh38, 1-based): chr17:7,884,965, G>T. VCF-style: chr17-7884965-G-T. GRCh37 (hg19) VCF-style: chr17-7788283-G-T.
Other names: c.159G>T, p.Gly53= (NM_001437504.1, NM_001437507.1, NM_001437508.1 and 1 more transcripts); c.-167+200C>A (NM_001330111.2).
Identifiers: ClinVar variation 4821779 (VCV004821779.4).

ClinVar aggregate classification (germline): Likely benign (1 of 4 stars; one submission).

Submission:

CeGaT Center for Human Genetics Tuebingen
Classification: Likely benign. Last evaluated: 2026-04-01. Review status: criteria provided, single submitter. Criteria: CeGaT Center For Human Genetics Tuebingen Variant Classification Criteria Version 2. Collection method: clinical testing. Allele origin: germline. Affected: yes. Observed: 1 variant allele.
Comment: CHD3: PM2:Supporting, BP4, BP7